The following is an entry in ClinVar:

ClinVar aggregate classification (germline): Uncertain significance (1 of 4 stars; one submission).

gnomAD v4.1: 1 of 1,597,410 alleles (0.000063%); highest among the groups gnomAD compares: Non-Finnish European, 0.000086%; no homozygotes.

Submission:

GeneDx
Classification: Uncertain significance. Last evaluated: 2017-03-23. Review status: criteria provided, single submitter. Criteria: GeneDx Variant Classification (06012015). Collection method: clinical testing. Allele origin: germline. Affected: yes.
Comment: A variant of uncertain significance has been identified in the GDP1L gene. The c.976 G>T (A326S) variant has not been published as pathogenic or been reported as benign to our knowledge. This variant is not observed in large population cohorts (Lek et al., 2016; 1000 Genomes Consortium et al., 2015; Exome Variant Server). At the mRNA level this nucleotide position is conserved across species, and 2/3 in silico splice prediction programs predict this variant may result in abnormal gene splicing by reducing the strength of the natural splice acceptor site. However, in the absence of functional mRNA studies, the physiological consequence of this variant cannot be precisely determined. At the protein level, the c.976 G>T (A326S) variant is a non-conservative amino acid substitution, which is likely to impact secondary protein structure as these residues differ in polarity, charge, size and/or other properties. This substitution occurs at an amino acid residue that is conserved across species, and 2/3 in silico algorithms predict this variant is probably damaging to the protein structure/function. However, to our knowledge no studies have been performed to determine the functional effect of the c.976 G>T (A326S) variant.

NM_015141.4(GPD1L):c.976G>T (p.Ala326Ser)

Gene: GPD1L (glycerol-3-phosphate dehydrogenase 1 like; plus strand). Cytogenetic location: 3p22.3.
Variant type: single nucleotide variant.
Coding change: c.976G>T on transcript NM_015141.4 (MANE Select); coding-DNA position 976, G replaced by T.
Protein change: p.Ala326Ser; replaces alanine 326 with serine.
Molecular consequence: missense variant.
Genome position (GRCh38, 1-based): chr3:32,165,830, G>T. VCF-style: chr3-32165830-G-T. GRCh37 (hg19) VCF-style: chr3-32207322-G-T.
Other names: short protein forms A326S.
Identifiers: ClinVar variation 424505 (VCV000424505.2), dbSNP rs1064797007, ClinGen allele CA16617869.